The following is an entry in ClinVar:

NM_002133.3(HMOX1):c.861C>T (p.Ala287=)

Gene: HMOX1 (heme oxygenase 1; plus strand). Cytogenetic location: 22q12.3.
Variant type: single nucleotide variant.
Coding change: c.861C>T on transcript NM_002133.3 (MANE Select); coding-DNA position 861, C replaced by T.
Protein change: p.Ala287=; no amino-acid change (alanine 287 retained).
Molecular consequence: synonymous variant.
Genome position (GRCh38, 1-based): chr22:35,393,592, C>T. VCF-style: chr22-35393592-C-T. GRCh37 (hg19) VCF-style: chr22-35789585-C-T.
Identifiers: ClinVar variation 1140294 (VCV001140294.22), dbSNP rs147336201, ClinGen allele CA10204859.

ClinVar aggregate classification (germline): Likely benign. Review status: criteria provided, multiple submitters, no conflicts (2 of 4 stars). 2 submissions from 2 submitters: Likely benign (2). Last evaluated 2026-01-18.

Allele frequency attached by ClinVar (database versions not stated): ExAC 0.00012; TOPMed 0.00012; gnomAD exomes 0.00013 and 0.00027; ESP Exome Variant Server 0.00015; 1000 Genomes Project 30x 0.00016; gnomAD 0.00016 and 0.00017; 1000 Genomes Project 0.00020.
gnomAD v4.1: 411 of 1,614,138 alleles (0.025%); highest among the groups gnomAD compares: Non-Finnish European, 0.033%; no homozygotes.

Submissions (2):

Labcorp Genetics (formerly Invitae), Labcorp
Classification: Likely benign. Last evaluated: 2026-01-18. Review status: criteria provided, single submitter. Criteria: Invitae Variant Classification Sherloc (09022015). Collection method: clinical testing. Allele origin: germline.

CeGaT Center for Human Genetics Tuebingen
Classification: Likely benign. Last evaluated: 2025-01-01. Review status: criteria provided, single submitter. Criteria: CeGaT Center For Human Genetics Tuebingen Variant Classification Criteria Version 2. Collection method: clinical testing. Allele origin: germline. Affected: yes. Observed: 1 variant allele.
Comment: HMOX1: BP4, BP7